The following is an entry in ClinVar:

NM_013432.5(TONSL):c.2723C>T (p.Thr908Ile)

Genes: TONSL (tonsoku like, DNA repair protein; minus strand), TONSL-AS1 (TONSL antisense RNA 1; plus strand). Cytogenetic location: 8q24.3.
Variant type: single nucleotide variant.
Coding change: c.2723C>T on transcript NM_013432.5 (MANE Select); coding-DNA position 2723, C replaced by T.
Protein change: p.Thr908Ile; replaces threonine 908 with isoleucine.
Molecular consequence: missense variant.
Genome position (GRCh38, 1-based): chr8:144,435,710, G>A on the plus strand (C>T on the coding strand, the complement: TONSL is on the minus strand). VCF-style: chr8-144435710-G-A. GRCh37 (hg19) VCF-style: chr8-145661093-G-A.
Other names: short protein forms T908I.
Identifiers: ClinVar variation 2416292 (VCV002416292.6), dbSNP rs2537486551, ClinGen allele CA372652959.

ClinVar aggregate classification (germline): Uncertain significance (1 of 4 stars; one submission).

Submission:

Labcorp Genetics (formerly Invitae), Labcorp
Classification: Uncertain significance. Last evaluated: 2022-05-21. Review status: criteria provided, single submitter. Criteria: Invitae Variant Classification Sherloc (09022015). Collection method: clinical testing. Allele origin: germline.
Comment: In summary, the available evidence is currently insufficient to determine the role of this variant in disease. Therefore, it has been classified as a Variant of Uncertain Significance. Algorithms developed to predict the effect of missense changes on protein structure and function output the following: SIFT: "Tolerated"; PolyPhen-2: "Benign"; Align-GVGD: "Class C0". The isoleucine amino acid residue is found in multiple mammalian species, which suggests that this missense change does not adversely affect protein function. This variant has not been reported in the literature in individuals affected with TONSL-related conditions. This variant is not present in population databases (gnomAD no frequency). This sequence change replaces threonine, which is neutral and polar, with isoleucine, which is neutral and non-polar, at codon 908 of the TONSL protein (p.Thr908Ile).